The following is an entry in ClinVar:

NM_001256789.3(CACNA1F):c.3863G>A (p.Arg1288Gln)

Gene: CACNA1F (calcium voltage-gated channel subunit alpha1 F; minus strand). Cytogenetic location: Xp11.23.
Variant type: single nucleotide variant.
Coding change: c.3863G>A on transcript NM_001256789.3 (MANE Select); coding-DNA position 3863, G replaced by A.
Protein change: p.Arg1288Gln; replaces arginine 1288 with glutamine.
Molecular consequence: missense variant.
Genome position (GRCh38, 1-based): chrX:49,212,746, C>T on the plus strand (G>A on the coding strand, the complement: CACNA1F is on the minus strand). VCF-style: chrX-49212746-C-T. GRCh37 (hg19) VCF-style: chrX-49069206-C-T.
Other names: c.3701G>A, p.Arg1234Gln (NM_001256790.3); c.3896G>A, p.Arg1299Gln (NM_005183.4); short protein forms R1288Q, R1299Q, R1234Q.
Identifiers: ClinVar variation 1974263 (VCV001974263.5), dbSNP rs1316183278, ClinGen allele CA412962374.
Genomic context (GRCh38, chrX:49,212,746, plus strand): 5'-GTCCAGAGCAATGTGCGGATCCCTTCACCCTTACTGAGAAGCTTGACCAGCCGCATAACT[C>T]GGAAGAGGCGAAAGAAGGTAATGGAAATGCGGGAGCTGTCCTCAGAGCTCTGGGGTGAGG-3'
Protein context (NP_001243718.1, residues 1278-1298): RISITFFRLF[Arg1288Gln]VMRLVKLLSK

ClinVar aggregate classification (germline): Uncertain significance (1 of 4 stars; one submission).

Allele frequency attached by ClinVar (database versions not stated): gnomAD 0.00002; TOPMed 0.00002.

Submission:

Labcorp Genetics (formerly Invitae), Labcorp
Classification: Uncertain significance. Last evaluated: 2022-07-26. Review status: criteria provided, single submitter. Criteria: Invitae Variant Classification Sherloc (09022015). Collection method: clinical testing. Allele origin: germline.
Comment: Algorithms developed to predict the effect of missense changes on protein structure and function (SIFT, PolyPhen-2, Align-GVGD) all suggest that this variant is likely to be disruptive. Algorithms developed to predict the effect of sequence changes on RNA splicing suggest that this variant may create or strengthen a splice site. In summary, the available evidence is currently insufficient to determine the role of this variant in disease. Therefore, it has been classified as a Variant of Uncertain Significance. This variant is not present in population databases (gnomAD no frequency). This variant has not been reported in the literature in individuals affected with CACNA1F-related conditions. This sequence change replaces arginine, which is basic and polar, with glutamine, which is neutral and polar, at codon 1299 of the CACNA1F protein (p.Arg1299Gln).